The following is an entry in ClinVar:

ClinVar aggregate classification (germline): Pathogenic (1 of 4 stars; one submission).

gnomAD v4.1: 1 of 1,613,838 alleles (0.000062%); highest among the groups gnomAD compares: African/African-American, 0.0013%; no homozygotes.

Submission:

Labcorp Genetics (formerly Invitae), Labcorp
Classification: Pathogenic. Last evaluated: 2026-01-28. Review status: criteria provided, single submitter. Criteria: Invitae Variant Classification Sherloc (09022015). Collection method: clinical testing. Allele origin: germline.
Comment: This sequence change creates a premature translational stop signal (p.Lys43*) in the POLH gene. It is expected to result in an absent or disrupted protein product. Loss-of-function variants in POLH are known to be pathogenic (PMID: 11773631, 24130121, 25256075). This variant is present in population databases (rs750532920, gnomAD 0.007%). This variant has not been reported in the literature in individuals affected with POLH-related conditions. Algorithms developed to predict the effect of sequence changes on RNA splicing suggest that this variant may disrupt the consensus splice site. For these reasons, this variant has been classified as Pathogenic.

Literature cited by the submitters: PubMed 11773631; PubMed 24130121; PubMed 25256075.

NM_006502.3(POLH):c.127A>T (p.Lys43Ter)

Gene: POLH (DNA polymerase eta; plus strand). Cytogenetic location: 6p21.1.
Variant type: single nucleotide variant.
Coding change: c.127A>T on transcript NM_006502.3 (MANE Select); coding-DNA position 127, A replaced by T.
Protein change: p.Lys43Ter; replaces lysine 43 with a stop codon.
Molecular consequence: nonsense. On other transcripts: intron variant (1).
Genome position (GRCh38, 1-based): chr6:43,582,446, A>T. VCF-style: chr6-43582446-A-T. GRCh37 (hg19) VCF-style: chr6-43550183-A-T.
Other names: c.127A>T, p.Lys43Ter (NM_001291970.2); c.-17-561A>T (NM_001291969.2); short protein forms K43*.
Identifiers: ClinVar variation 4736474 (VCV004736474.1).
Genomic context (GRCh38, chr6:43,582,446, plus strand): 5'-CAGCGGCAAAATCCTCATTTGAGGAATAAACCTTGTGCAGTTGTACAGTACAAATCATGG[A>T]AGGGTGGTGGGTATGTATCATTGTTATTGTCACAACTATTCAATGGTAACACAGTGGCAC-3'